The following is an entry in ClinVar:

NM_004984.4(KIF5A):c.1717-129G>A

Gene: KIF5A (kinesin family member 5A; plus strand). Cytogenetic location: 12q13.3.
Variant type: single nucleotide variant.
Coding change: c.1717-129G>A on transcript NM_004984.4 (MANE Select); 129 bases into the intron before coding-DNA position 1717, G replaced by A.
Molecular consequence: intron variant.
Genome position (GRCh38, 1-based): chr12:57,574,955, G>A. VCF-style: chr12-57574955-G-A. GRCh37 (hg19) VCF-style: chr12-57968738-G-A.
Other names: c.1450-129G>A (NM_001354705.2).
Identifiers: ClinVar variation 682853 (VCV000682853.2), dbSNP rs11172254, ClinGen allele CA13590354.

ClinVar aggregate classification (germline): Benign. Review status: criteria provided, multiple submitters, no conflicts (2 of 4 stars). 2 submissions from 2 submitters: Benign (2). Last evaluated 2018-06-14.

Allele frequency attached by ClinVar (database versions not stated): 1000 Genomes Project 0.34065; 1000 Genomes Project 30x 0.34307; TOPMed 0.44999; gnomAD 0.45208; gnomAD exomes 0.55031.
gnomAD v4.1: 426,622 of 801,012 alleles (53%); highest among the groups gnomAD compares: Non-Finnish European, 63%; 122,824 homozygotes.

Submissions (2):

GeneDx
Classification: Benign. Last evaluated: 2018-06-14. Review status: criteria provided, single submitter. Criteria: GeneDx Variant Classification (06012015). Collection method: clinical testing. Allele origin: germline. Affected: yes.
Comment: This variant is considered likely benign or benign based on one or more of the following criteria: it is a conservative change, it occurs at a poorly conserved position in the protein, it is predicted to be benign by multiple in silico algorithms, and/or has population frequency not consistent with disease.

Breakthrough Genomics
Classification: Benign. Review status: criteria provided, single submitter. Criteria: ACMG Guidelines, 2015. Collection method: not provided. Allele origin: germline. Inheritance: Autosomal dominant inheritance. Affected: yes.